The following is an entry in ClinVar:

ClinVar aggregate classification (germline): Uncertain significance (1 of 4 stars; one submission).

gnomAD v4.1: 5 of 1,607,196 alleles (0.00031%); highest among the groups gnomAD compares: Middle Eastern, 0.017%; no homozygotes.

Submission:

Ambry Genetics
Classification: Uncertain significance. Last evaluated: 2025-02-06. Review status: criteria provided, single submitter. Criteria: Ambry Variant Classification Scheme 2023. Collection method: clinical testing. Allele origin: germline.
Comment: The p.S1388F variant (also known as c.4163C>T), located in coding exon 19 of the WNK2 gene, results from a C to T substitution at nucleotide position 4163. The serine at codon 1388 is replaced by phenylalanine, an amino acid with highly dissimilar properties. This amino acid position is conserved. In addition, this alteration is predicted to be tolerated by in silico analysis. Based on the available evidence, the clinical significance of this variant remains unclear.

NM_006648.4(WNK2):c.4163C>T (p.Ser1388Phe)

Gene: WNK2 (WNK lysine deficient protein kinase 2; plus strand). Cytogenetic location: 9q22.31.
Variant type: single nucleotide variant.
Coding change: c.4163C>T on transcript NM_006648.4 (MANE Select); coding-DNA position 4163, C replaced by T.
Protein change: p.Ser1388Phe; replaces serine 1388 with phenylalanine.
Molecular consequence: missense variant.
Genome position (GRCh38, 1-based): chr9:93,288,917, C>T. VCF-style: chr9-93288917-C-T. GRCh37 (hg19) VCF-style: chr9-96051199-C-T.
Other names: c.4274C>T, p.Ser1425Phe (NM_001282394.3); short protein forms S1388F, S1425F.
Identifiers: ClinVar variation 3817020 (VCV003817020.1).